The following is an entry in ClinVar:

ClinVar aggregate classification (germline): Likely benign (1 of 4 stars; one submission).

Conditions:
ARL2-related condition.

gnomAD v4.1: 42 of 1,613,090 alleles (0.0026%); highest among the groups gnomAD compares: Middle Eastern, 0.13%; 1 homozygote.

Submission:

PreventionGenetics, part of Exact Sciences
Classification: Likely benign for ARL2-related condition. Last evaluated: 2026-02-03. Review status: criteria provided, single submitter. Criteria: ACMG Guidelines, 2015. Collection method: clinical testing. Allele origin: germline.
Comment: This variant is classified as likely benign based on ACMG/AMP sequence variant interpretation guidelines (Richards et al. 2015 PMID: 25741868, with internal and published modifications).

NM_001667.4(ARL2):c.360C>T (p.Leu120=)

Genes: ARL2 (ARF like GTPase 2; plus strand), ARL2-SNX15 (ARL2-SNX15 readthrough (NMD candidate); plus strand). Cytogenetic location: 11q13.1.
Variant type: single nucleotide variant.
Coding change: c.360C>T on transcript NM_001667.4 (MANE Select); coding-DNA position 360, C replaced by T.
Protein change: p.Leu120=; no amino-acid change (leucine 120 retained).
Molecular consequence: synonymous variant. On other transcripts: intron variant (1).
Genome position (GRCh38, 1-based): chr11:65,020,439, C>T. VCF-style: chr11-65020439-C-T. GRCh37 (hg19) VCF-style: chr11-64787911-C-T.
Other names: c.340-1282C>T (NM_001199745.2).
Identifiers: ClinVar variation 4980847 (VCV004980847.1).